The following is an entry in ClinVar:

NM_021783.5(EDA2R):c.329A>C (p.Gln110Pro)

Gene: EDA2R (ectodysplasin A2 receptor; minus strand). Cytogenetic location: Xq12.
Variant type: single nucleotide variant.
Coding change: c.329A>C on transcript NM_021783.5 (MANE Select); coding-DNA position 329, A replaced by C.
Protein change: p.Gln110Pro; replaces glutamine 110 with proline.
Molecular consequence: missense variant. On other transcripts: non-coding transcript variant (2), intron variant (5).
Genome position (GRCh38, 1-based): chrX:66,604,444, T>G on the plus strand (A>C on the coding strand, the complement: EDA2R is on the minus strand). VCF-style: chrX-66604444-T-G. GRCh37 (hg19) VCF-style: chrX-65824286-T-G.
Other names: c.329A>C, p.Gln110Pro (NM_001199687.3, NM_001242310.1, NM_001324206.2); c.72-1647A>C (NM_001324202.2, NM_001324199.2); c.250+604A>C (NM_001324201.2); c.56-1647A>C (NM_001324205.2, NM_001324204.2); short protein forms Q110P.
Identifiers: ClinVar variation 452543 (VCV000452543.2), dbSNP rs769441083, ClinGen allele CA10436097.

ClinVar aggregate classification (germline): Uncertain significance (1 of 4 stars; one submission).

Allele frequency attached by ClinVar (database versions not stated): gnomAD exomes below 0.00001 and 0.00001; ExAC 0.00001; TOPMed 0.00001.
gnomAD v4.1: 3 of 1,209,578 alleles (0.00025%); highest among the groups gnomAD compares: Non-Finnish European, 0.00034%; no homozygotes.

Submission:

GeneDx
Classification: Uncertain significance. Last evaluated: 2017-10-13. Review status: criteria provided, single submitter. Criteria: GeneDx Variant Classification (06012015). Collection method: clinical testing. Allele origin: germline. Affected: yes.
Comment: The Q110P variant in the EDA2R gene has not been reported previously as a pathogenic variant, nor as a benign variant, to our knowledge. The Q110P variant is observed in 2/89826 (0.0022%) alleles from individuals of Eurpoean (Non-Finnish) background, including two hemizygous individuals in large population cohorts (Lek et al., 2016). The Q110P variant is a non-conservative amino acid substitution, which occurs at a position that is conserved in mammals. In silico analysis predicts this variant likely does not alter the protein structure/function. We interpret Q110P as a variant of uncertain significance.